The following is an entry in ClinVar:

NM_004656.4(BAP1):c.-1G>T

Gene: BAP1 (BRCA1 associated deubiquitinase 1; minus strand). Cytogenetic location: 3p21.1.
Variant type: single nucleotide variant.
Coding change: c.-1G>T on transcript NM_004656.4 (MANE Select); 1 bases upstream of the start codon, G replaced by T.
Molecular consequence: 5 prime UTR variant.
Genome position (GRCh38, 1-based): chr3:52,409,879, C>A on the plus strand (G>T on the coding strand, the complement: BAP1 is on the minus strand). VCF-style: chr3-52409879-C-A. GRCh37 (hg19) VCF-style: chr3-52443895-C-A.
Other names: c.-1G>T (NM_001410772.1).
Identifiers: ClinVar variation 3224449 (VCV003224449.1), dbSNP rs1212987321, ClinGen allele CA2825001271.

ClinVar aggregate classification (germline): Uncertain significance (1 of 4 stars; one submission).

Conditions:
Hereditary cancer-predisposing syndrome. Also called: Tumor predisposition; Hereditary neoplastic syndrome; Hereditary Cancer Syndrome; Neoplastic Syndromes, Hereditary. Identifiers: Orphanet 140162, MedGen C0027672, MeSH D009386, MONDO:0015356.

Submission:

Ambry Genetics
Classification: Uncertain significance for Hereditary cancer-predisposing syndrome. Last evaluated: 2023-10-03. Review status: criteria provided, single submitter. Criteria: Ambry Variant Classification Scheme 2023. Collection method: clinical testing. Allele origin: germline.
Comment: The c.-1G>T variant is located in the 5' untranslated region (5&rsquo; UTR) of the BAP1 gene. This variant results from a G to T substitution 1 bases upstream from the first translated codon. This nucleotide position is well conserved in available vertebrate species. Since supporting evidence is limited at this time, the clinical significance of this alteration remains unclear.